The following is an entry in ClinVar:

ClinVar aggregate classification (germline): Uncertain significance. Review status: criteria provided, multiple submitters, no conflicts (2 of 4 stars). 2 submissions from 2 submitters: Uncertain significance (2). Last evaluated 2024-10-28.

Conditions:
Inborn genetic diseases. Identifiers: MedGen C0950123, MeSH D030342.

gnomAD v4.1: 3 of 1,587,848 alleles (0.00019%); highest among the groups gnomAD compares: South Asian, 0.0023%; no homozygotes.

Submissions (2):

GeneDx
Classification: Uncertain significance. Last evaluated: 2024-10-28. Review status: criteria provided, single submitter. Criteria: GeneDx Variant Classification Process June 2021. Collection method: clinical testing. Allele origin: germline. Affected: yes.
Comment: Not observed at significant frequency in large population cohorts (gnomAD); In silico analysis indicates that this missense variant does not alter protein structure/function; Has not been previously published as pathogenic or benign to our knowledge

Ambry Genetics
Classification: Uncertain significance for Inborn genetic diseases. Last evaluated: 2024-07-16. Review status: criteria provided, single submitter. Criteria: Ambry Variant Classification Scheme 2023. Collection method: clinical testing. Allele origin: germline.

NM_000153.4(GALC):c.62C>T (p.Ala21Val)

Gene: GALC (galactosylceramidase; minus strand). Cytogenetic location: 14q31.3.
Variant type: single nucleotide variant.
Coding change: c.62C>T on transcript NM_000153.4 (MANE Select); coding-DNA position 62, C replaced by T.
Protein change: p.Ala21Val; replaces alanine 21 with valine.
Molecular consequence: missense variant. On other transcripts: 5 prime UTR variant (3), non-coding transcript variant (1), intron variant (2).
Genome position (GRCh38, 1-based): chr14:87,993,103, G>A on the plus strand (C>T on the coding strand, the complement: GALC is on the minus strand). VCF-style: chr14-87993103-G-A. GRCh37 (hg19) VCF-style: chr14-88459447-G-A.
Other names: c.62C>T, p.Ala21Val (NM_001201401.2); c.-209C>T (NM_001424072.1); c.-375C>T (NM_001424075.1); c.-606C>T (NM_001424077.1); c.-473+280C>T (NM_001424076.1); c.117+280C>T (NM_001201402.2); short protein forms A21V.
Identifiers: ClinVar variation 3518389 (VCV003518389.2).